The following is an entry in ClinVar:

ClinVar aggregate classification (germline): Pathogenic/Likely pathogenic. Review status: criteria provided, multiple submitters, no conflicts (2 of 4 stars). 2 submissions from 2 submitters: Pathogenic (1); Likely pathogenic (1). Last evaluated 2024-06-18.

Conditions:
Pulmonary fibrosis and/or bone marrow failure, Telomere-related, 3. Also called: PULMONARY FIBROSIS AND/OR BONE MARROW FAILURE SYNDROME, TELOMERE-RELATED, 3. Identifiers: Orphanet 2032, MedGen C4225346, MONDO:0014613, OMIM 616373.
Dyskeratosis congenita, autosomal recessive 5 (DKCB5). Identifiers: MedGen C3554656, MONDO:0014076, OMIM 615190.

Submissions (2):

Fulgent Genetics
Classification: Likely pathogenic for Dyskeratosis congenita, autosomal recessive 5; Pulmonary fibrosis and/or bone marrow failure, Telomere-related, 3. Last evaluated: 2024-06-18. Review status: criteria provided, single submitter. Criteria: ACMG Guidelines, 2015. Collection method: clinical testing. Allele origin: germline.

Labcorp Genetics (formerly Invitae), Labcorp
Classification: Pathogenic for Dyskeratosis congenita, autosomal recessive 5; Pulmonary fibrosis and/or bone marrow failure, Telomere-related, 3. Last evaluated: 2023-03-04. Review status: criteria provided, single submitter. Criteria: Invitae Variant Classification Sherloc (09022015). Collection method: clinical testing. Allele origin: germline.
Comment: This sequence change creates a premature translational stop signal (p.Gln801*) in the RTEL1 gene. It is expected to result in an absent or disrupted protein product. Loss-of-function variants in RTEL1 are known to be pathogenic (PMID: 23453664, 23959892, 25607374). This variant is not present in population databases (gnomAD no frequency). This variant has not been reported in the literature in individuals affected with RTEL1-related conditions. For these reasons, this variant has been classified as Pathogenic.

Literature cited by the submitters: PubMed 23453664 (cited by Labcorp Genetics (formerly Invitae), Labcorp); PubMed 23959892 (cited by Labcorp Genetics (formerly Invitae), Labcorp); PubMed 25607374 (cited by Labcorp Genetics (formerly Invitae), Labcorp).

NM_001283009.2(RTEL1):c.2401C>T (p.Gln801Ter)

Genes: RTEL1 (regulator of telomere elongation helicase 1; plus strand), RTEL1-TNFRSF6B (RTEL1-TNFRSF6B readthrough (NMD candidate); plus strand). Cytogenetic location: 20q13.33.
Variant type: single nucleotide variant.
Coding change: c.2401C>T on transcript NM_001283009.2 (MANE Select); coding-DNA position 2401, C replaced by T.
Protein change: p.Gln801Ter; replaces glutamine 801 with a stop codon.
Molecular consequence: nonsense. On other transcripts: non-coding transcript variant (1).
Genome position (GRCh38, 1-based): chr20:63,690,429, C>T. VCF-style: chr20-63690429-C-T. GRCh37 (hg19) VCF-style: chr20-62321782-C-T.
Other names: c.1732C>T, p.Gln578Ter (NM_001283010.1); c.2401C>T, p.Gln801Ter (NM_016434.4); c.2473C>T, p.Gln825Ter (NM_032957.5); short protein forms Q578*, Q825*, Q801*.
Identifiers: ClinVar variation 2939066 (VCV002939066.4), dbSNP rs2517141332, ClinGen allele CA409681230.